The following is an entry in ClinVar:

ClinVar aggregate classification (germline): Uncertain significance (1 of 4 stars; one submission).

Conditions:
Larsen-like syndrome, B3GAT3 type. Also called: Multiple joint dislocations, short stature, craniofacial dysmorphism, with or without congenital heart defects; MULTIPLE JOINT DISLOCATIONS, SHORT STATURE, AND CRANIOFACIAL DYSMORPHISM WITH OR WITHOUT CONGENITAL HEART DEFECTS. Identifiers: Orphanet 284139, MedGen CN034159, MONDO:0009511, OMIM 245600.

Submission:

Labcorp Genetics (formerly Invitae), Labcorp
Classification: Uncertain significance for Larsen-like syndrome, B3GAT3 type. Last evaluated: 2025-01-23. Review status: criteria provided, single submitter. Criteria: Invitae Variant Classification Sherloc (09022015). Collection method: clinical testing. Allele origin: germline.
Comment: This sequence change replaces alanine, which is neutral and non-polar, with serine, which is neutral and polar, at codon 259 of the B3GAT3 protein (p.Ala259Ser). This variant is not present in population databases (gnomAD no frequency). This variant has not been reported in the literature in individuals affected with B3GAT3-related conditions. Invitae Evidence Modeling of protein sequence and biophysical properties (such as structural, functional, and spatial information, amino acid conservation, physicochemical variation, residue mobility, and thermodynamic stability) indicates that this missense variant is not expected to disrupt B3GAT3 protein function with a negative predictive value of 80%. In summary, the available evidence is currently insufficient to determine the role of this variant in disease. Therefore, it has been classified as a Variant of Uncertain Significance.

NM_012200.4(B3GAT3):c.775G>T (p.Ala259Ser)

Gene: B3GAT3 (beta-1,3-glucuronyltransferase 3; minus strand). Cytogenetic location: 11q12.3.
Variant type: single nucleotide variant.
Coding change: c.775G>T on transcript NM_012200.4 (MANE Select); coding-DNA position 775, G replaced by T.
Protein change: p.Ala259Ser; replaces alanine 259 with serine.
Molecular consequence: missense variant. On other transcripts: non-coding transcript variant (1).
Genome position (GRCh38, 1-based): chr11:62,616,640, C>A on the plus strand (G>T on the coding strand, the complement: B3GAT3 is on the minus strand). VCF-style: chr11-62616640-C-A. GRCh37 (hg19) VCF-style: chr11-62384112-C-A.
Other names: c.754G>T, p.Ala252Ser (NM_001288721.2); c.775G>T, p.Ala259Ser (NM_001288722.2, NM_001288723.2); short protein forms A252S, A259S.
Identifiers: ClinVar variation 3622972 (VCV003622972.2).
Genomic context (GRCh38, chr11:62,616,640, plus strand): 5'-GGCCCCGGGGAGCGGTGGAATCAAATTGGGCATTGGGCTTATCTAACAGCAAGGGCAGGG[C>A]CACGGCAAATCCAGCCATATCCACAGGGAAGGGCCTGCTGGGCTCCCATGCTGTGTGGAA-3'
Protein context (NP_036332.2, residues 249-269): FPVDMAGFAV[Ala259Ser]LPLLLDKPNA